The following is an entry in ClinVar:

ClinVar aggregate classification (germline): Uncertain significance (1 of 4 stars; one submission).

Allele frequency attached by ClinVar (database versions not stated): gnomAD exomes below 0.00001; ExAC 0.00001; gnomAD 0.00001; 1000 Genomes Project 30x 0.00016; 1000 Genomes Project 0.00020.
gnomAD v4.1: 4 of 1,614,138 alleles (0.00025%); highest among the groups gnomAD compares: South Asian, 0.0011%; no homozygotes.

Submission:

Labcorp Genetics (formerly Invitae), Labcorp
Classification: Uncertain significance. Last evaluated: 2022-09-01. Review status: criteria provided, single submitter. Criteria: Invitae Variant Classification Sherloc (09022015). Collection method: clinical testing. Allele origin: germline.
Comment: This sequence change replaces threonine, which is neutral and polar, with serine, which is neutral and polar, at codon 429 of the IMPG2 protein (p.Thr429Ser). This variant is present in population databases (rs576207108, gnomAD 0.003%). This variant has not been reported in the literature in individuals affected with IMPG2-related conditions. ClinVar contains an entry for this variant (Variation ID: 839897). Algorithms developed to predict the effect of missense changes on protein structure and function output the following: SIFT: "Tolerated"; PolyPhen-2: "Benign"; Align-GVGD: "Class C0". The serine amino acid residue is found in multiple mammalian species, which suggests that this missense change does not adversely affect protein function. In summary, the available evidence is currently insufficient to determine the role of this variant in disease. Therefore, it has been classified as a Variant of Uncertain Significance.

NM_016247.4(IMPG2):c.1286C>G (p.Thr429Ser)

Gene: IMPG2 (interphotoreceptor matrix proteoglycan 2; minus strand). Cytogenetic location: 3q12.3.
Variant type: single nucleotide variant.
Coding change: c.1286C>G on transcript NM_016247.4 (MANE Select); coding-DNA position 1286, C replaced by G.
Protein change: p.Thr429Ser; replaces threonine 429 with serine.
Molecular consequence: missense variant.
Genome position (GRCh38, 1-based): chr3:101,246,059, G>C on the plus strand (C>G on the coding strand, the complement: IMPG2 is on the minus strand). VCF-style: chr3-101246059-G-C. GRCh37 (hg19) VCF-style: chr3-100964903-G-C.
Other names: short protein forms T429S.
Identifiers: ClinVar variation 839897 (VCV000839897.8), dbSNP rs576207108, ClinGen allele CA2519200.